The following is an entry in ClinVar:

ClinVar aggregate classification (germline): Uncertain significance (1 of 4 stars; one submission).

Allele frequency attached by ClinVar (database versions not stated): gnomAD 0.00001; TOPMed 0.00001.
gnomAD v4.1: 2 of 1,613,896 alleles (0.00012%); highest among the groups gnomAD compares: Non-Finnish European, 0.00017%; no homozygotes.

Submission:

Ambry Genetics
Classification: Uncertain significance. Last evaluated: 2023-04-03. Review status: criteria provided, single submitter. Criteria: Ambry Variant Classification Scheme 2023. Collection method: clinical testing. Allele origin: germline.
Comment: The p.D281V variant (also known as c.842A>T), located in coding exon 3 of the TERF2IP gene, results from an A to T substitution at nucleotide position 842. The aspartic acid at codon 281 is replaced by valine, an amino acid with highly dissimilar properties. This amino acid position is conserved. In addition, this alteration is predicted to be tolerated by in silico analysis. Since supporting evidence is limited at this time, the clinical significance of this alteration remains unclear.

NM_018975.4(TERF2IP):c.842A>T (p.Asp281Val)

Gene: TERF2IP (TERF2 interacting protein; plus strand). Cytogenetic location: 16q23.1.
Variant type: single nucleotide variant.
Coding change: c.842A>T on transcript NM_018975.4 (MANE Select); coding-DNA position 842, A replaced by T.
Protein change: p.Asp281Val; replaces aspartic acid 281 with valine.
Molecular consequence: missense variant. On other transcripts: non-coding transcript variant (1).
Genome position (GRCh38, 1-based): chr16:75,656,253, A>T. VCF-style: chr16-75656253-A-T. GRCh37 (hg19) VCF-style: chr16-75690151-A-T.
Other names: short protein forms D281V.
Identifiers: ClinVar variation 2563455 (VCV002563455.2), dbSNP rs753009529, ClinGen allele CA8178113.